The following is an entry in ClinVar:

NM_000113.3(TOR1A):c.28C>G (p.Leu10Val)

Genes: TOR1A (torsin family 1 member A; minus strand), LOC130002772 (ATAC-STARR-seq lymphoblastoid active region 29122; plus strand). Cytogenetic location: 9q34.11.
Variant type: single nucleotide variant.
Coding change: c.28C>G on transcript NM_000113.3 (MANE Select); coding-DNA position 28, C replaced by G.
Protein change: p.Leu10Val; replaces leucine 10 with valine.
Molecular consequence: missense variant.
Genome position (GRCh38, 1-based): chr9:129,824,058, G>C on the plus strand (C>G on the coding strand, the complement: TOR1A is on the minus strand). VCF-style: chr9-129824058-G-C. GRCh37 (hg19) VCF-style: chr9-132586337-G-C.
Other names: short protein forms L10V.
Identifiers: ClinVar variation 3731001 (VCV003731001.1).

ClinVar aggregate classification (germline): Uncertain significance (1 of 4 stars; one submission).

Submission:

GeneDx
Classification: Uncertain significance. Last evaluated: 2024-08-12. Review status: criteria provided, single submitter. Criteria: GeneDx Variant Classification Process June 2021. Collection method: clinical testing. Allele origin: germline. Affected: yes.
Comment: Not observed at significant frequency in large population cohorts (gnomAD); In silico analysis indicates that this missense variant does not alter protein structure/function; Has not been previously published as pathogenic or benign to our knowledge